The following is an entry in ClinVar:

ClinVar aggregate classification (germline): Uncertain significance. Review status: criteria provided, multiple submitters, no conflicts (2 of 4 stars). 3 submissions from 3 submitters: Uncertain significance (3). Last evaluated 2025-12-21.

Conditions:
Inborn genetic diseases. Identifiers: MedGen C0950123, MeSH D030342.

Allele frequency attached by ClinVar (database versions not stated): gnomAD exomes below 0.00001.
gnomAD v4.1: 3 of 1,613,892 alleles (0.00019%); highest among the groups gnomAD compares: Non-Finnish European, 0.00025%; no homozygotes.

Submissions (3):

Labcorp Genetics (formerly Invitae), Labcorp
Classification: Uncertain significance. Last evaluated: 2025-12-21. Review status: criteria provided, single submitter. Criteria: Invitae Variant Classification Sherloc (09022015). Collection method: clinical testing. Allele origin: germline.
Comment: This sequence change replaces isoleucine, which is neutral and non-polar, with serine, which is neutral and polar, at codon 509 of the COL9A3 protein (p.Ile509Ser). This variant is not present in population databases (gnomAD no frequency). This variant has not been reported in the literature in individuals affected with COL9A3-related conditions. ClinVar contains an entry for this variant (Variation ID: 1940579). Invitae Evidence Modeling of protein sequence and biophysical properties (such as structural, functional, and spatial information, amino acid conservation, physicochemical variation, residue mobility, and thermodynamic stability) indicates that this missense variant is not expected to disrupt COL9A3 protein function with a negative predictive value of 95%. In summary, the available evidence is currently insufficient to determine the role of this variant in disease. Therefore, it has been classified as a Variant of Uncertain Significance.

Ambry Genetics
Classification: Uncertain significance for Inborn genetic diseases. Last evaluated: 2024-08-20. Review status: criteria provided, single submitter. Criteria: Ambry Variant Classification Scheme 2023. Collection method: clinical testing. Allele origin: germline.

Blueprint Genetics
Classification: Uncertain significance. Last evaluated: 2021-05-19. Review status: criteria provided, single submitter. Criteria: ACMG Guidelines, 2015. Collection method: clinical testing. Allele origin: germline.

NM_001853.4(COL9A3):c.1526T>G (p.Ile509Ser)

Genes: COL9A3 (collagen type IX alpha 3 chain; plus strand), LOC126863084 (MED14-independent group 3 enhancer GRCh37_chr20:61467141-61468340; plus strand). Cytogenetic location: 20q13.33.
Variant type: single nucleotide variant.
Coding change: c.1526T>G on transcript NM_001853.4 (MANE Select); coding-DNA position 1526, T replaced by G.
Protein change: p.Ile509Ser; replaces isoleucine 509 with serine.
Molecular consequence: missense variant.
Genome position (GRCh38, 1-based): chr20:62,836,311, T>G. VCF-style: chr20-62836311-T-G. GRCh37 (hg19) VCF-style: chr20-61467663-T-G.
Other names: c.1526T>G (NM_001853.3); short protein forms I509S.
Identifiers: ClinVar variation 1940579 (VCV001940579.7), dbSNP rs2516085778, ClinGen allele CA409598165.
Genomic context (GRCh38, chr20:62,836,311, plus strand): 5'-AGGGTGTCCCCGGGCCCCCCGGTCCTCTGGGCCTGCAGGGCGTCCCGGGTGTTCCTGGCA[T>G]CACGGGGAAGCCGGGAGTTCCGGTACGTCGCTTTTCCGGCTTTTCCAGCTTTCACAGGGT-3'
Protein context (NP_001844.3, residues 499-519): GLQGVPGVPG[Ile509Ser]TGKPGVPGKE